The following is an entry in ClinVar:

NM_021098.3(CACNA1H):c.5346C>T (p.Cys1782=)

Gene: CACNA1H (calcium voltage-gated channel subunit alpha1 H; plus strand). Cytogenetic location: 16p13.3.
Variant type: single nucleotide variant.
Coding change: c.5346C>T on transcript NM_021098.3 (MANE Select); coding-DNA position 5346, C replaced by T.
Protein change: p.Cys1782=; no amino-acid change (cysteine 1782 retained).
Molecular consequence: synonymous variant.
Genome position (GRCh38, 1-based): chr16:1,217,941, C>T. VCF-style: chr16-1217941-C-T. GRCh37 (hg19) VCF-style: chr16-1267941-C-T.
Other names: c.5328C>T, p.Cys1776= (NM_001005407.2).
Identifiers: ClinVar variation 807343 (VCV000807343.53), dbSNP rs375518094, ClinGen allele CA7801978.

ClinVar aggregate classification (germline): Conflicting classifications of pathogenicity. Review status: criteria provided, conflicting classifications (1 of 4 stars). 5 submissions from 5 submitters: Uncertain significance (2); Likely benign (3). Last evaluated 2025-06-12.

Conditions:
Idiopathic generalized epilepsy. Also called: EIG; Generalised epilepsy. Identifiers: MedGen C0270850, MONDO:0005579, OMIM 600669.
Hyperaldosteronism, familial, type IV (HALD4). Also called: FH IV; ALDOSTERONISM, PRIMARY, AND HYPERTENSION. Identifiers: Orphanet 642671, MedGen C4310756, MONDO:0014875, OMIM 617027.
Epilepsy, childhood absence, susceptibility to, 6. Identifiers: Orphanet 64280, MedGen C2749872, MONDO:0012763, OMIM 611942.
CACNA1H-related disorder.

Allele frequency attached by ClinVar (database versions not stated): gnomAD exomes 0.00006; ExAC 0.00008; gnomAD 0.00008; TOPMed 0.00010; 1000 Genomes Project 30x 0.00016; 1000 Genomes Project 0.00020; ESP Exome Variant Server 0.00024.

Submissions (5):

Labcorp Genetics (formerly Invitae), Labcorp
Classification: Likely benign for Idiopathic generalized epilepsy; Hyperaldosteronism, familial, type IV. Last evaluated: 2025-06-12. Review status: criteria provided, single submitter. Criteria: Invitae Variant Classification Sherloc (09022015). Collection method: clinical testing. Allele origin: germline.

PreventionGenetics, part of Exact Sciences
Classification: Likely benign for CACNA1H-related condition. Last evaluated: 2025-02-26. Review status: criteria provided, single submitter. Criteria: ACMG Guidelines, 2015. Collection method: clinical testing. Allele origin: germline.
Comment: This variant is classified as likely benign based on ACMG/AMP sequence variant interpretation guidelines (Richards et al. 2015 PMID: 25741868, with internal and published modifications).

Women's Health and Genetics/Laboratory Corporation of America, LabCorp
Classification: Likely benign. Last evaluated: 2023-08-23. Review status: criteria provided, single submitter. Criteria: LabCorp Variant Classification Summary - May 2015. Collection method: clinical testing. Allele origin: germline.

Fulgent Genetics
Classification: Uncertain significance for Epilepsy, childhood absence, susceptibility to, 6; Hyperaldosteronism, familial, type IV. Last evaluated: 2022-02-17. Review status: criteria provided, single submitter. Criteria: ACMG Guidelines, 2015. Collection method: clinical testing. Allele origin: unknown.

CeGaT Center for Human Genetics Tuebingen
Classification: Uncertain significance. Last evaluated: 2016-06-01. Review status: criteria provided, single submitter. Criteria: CeGaT Center For Human Genetics Tuebingen Variant Classification Criteria Version 2. Collection method: clinical testing. Allele origin: germline. Affected: yes. Observed: 1 variant allele.